The following is an entry in ClinVar:

NM_138713.4(NFAT5):c.1005+1G>A

Gene: NFAT5 (nuclear factor of activated T cells 5; plus strand). Cytogenetic location: 16q22.1.
Variant type: single nucleotide variant.
Coding change: c.1005+1G>A on transcript NM_138713.4 (MANE Select); the canonical splice donor site of the intron after coding-DNA position 1005, G replaced by A.
Molecular consequence: splice donor variant.
Genome position (GRCh38, 1-based): chr16:69,653,429, G>A. VCF-style: chr16-69653429-G-A. GRCh37 (hg19) VCF-style: chr16-69687332-G-A.
Other names: c.723+1G>A (NM_138714.4, NM_173214.3, NM_173215.3); c.1005+1G>A (NM_001113178.3); c.951+1G>A (NM_006599.4); c.333+1G>A (NM_001367709.1).
Identifiers: ClinVar variation 1383031 (VCV001383031.8), dbSNP rs2151633048, ClinGen allele CA396489955.

ClinVar aggregate classification (germline): Uncertain significance (1 of 4 stars; one submission).

Conditions:
Immunodeficiency. Identifiers: MedGen C0021051, MONDO:0021094, HP:0002721.

Submission:

Labcorp Genetics (formerly Invitae), Labcorp
Classification: Uncertain significance for Immunodeficiency. Last evaluated: 2022-02-10. Review status: criteria provided, single submitter. Criteria: Invitae Variant Classification Sherloc (09022015). Collection method: clinical testing. Allele origin: germline.
Comment: In summary, the available evidence is currently insufficient to determine the role of this variant in disease. Therefore, it has been classified as a Variant of Uncertain Significance. Algorithms developed to predict the effect of sequence changes on RNA splicing suggest that this variant may disrupt the consensus splice site. This variant has not been reported in the literature in individuals affected with NFAT5-related conditions. This variant is not present in population databases (gnomAD no frequency). This sequence change affects a donor splice site in intron 6 of the NFAT5 gene. It is expected to disrupt RNA splicing. Variants that disrupt the donor or acceptor splice site typically lead to a loss of protein function (PMID: 16199547), however the current clinical and genetic evidence is not sufficient to establish whether loss-of-function variants in NFAT5 cause disease.

Literature cited by the submitters: PubMed 16199547.